The following is an entry in ClinVar:

NM_000260.4(MYO7A):c.5486_5487delinsTT (p.Ser1829Ile)

Gene: MYO7A (myosin VIIA; plus strand). Cytogenetic location: 11q13.5.
Variant type: Indel.
Coding change: c.5486_5487delinsTT on transcript NM_000260.4 (MANE Select); coding-DNA positions 5486 to 5487, GC replaced by TT.
Protein change: p.Ser1829Ile; replaces serine 1829 with isoleucine.
Molecular consequence: missense variant.
Genome position (GRCh38, 1-based): chr11:77,205,467-77,205,468, GC replaced by TT. VCF-style: chr11-77205467-GC-TT. GRCh37 (hg19) VCF-style: chr11-76916512-GC-TT.
Other names: c.5372_5373delinsTT, p.Ser1791Ile (NM_001127180.2); c.5339_5340delinsTT, p.Ser1780Ile (NM_001369365.1); short protein forms S1791I, S1780I, S1829I.
Identifiers: ClinVar variation 930011 (VCV000930011.4), dbSNP rs1957384051, ClinGen allele CA1139662096.
Genomic context (GRCh38, chr11:77,205,467, plus strand): 5'-TCCTGTGACTCCCGATGGCAGCTGCCCCTGCTGGAGCCCACGCCTCCTCCTGCAGGTACA[GC>TT]GAGGAGCGGGGTTGGGAGCTGCTCTGGCTGTGCACGGGCCTTTTCCCACCCAGCAACATC-3'
Protein context (NP_000251.3, residues 1819-1839): KQLTDNHIRY[Ser1829Ile]EERGWELLWL

ClinVar aggregate classification (germline): Uncertain significance (1 of 4 stars; one submission).

Submission:

Laboratory for Molecular Medicine, Mass General Brigham Personalized Medicine
Classification: Uncertain significance. Last evaluated: 2020-04-06. Review status: criteria provided, single submitter. Criteria: LMM Criteria. Collection method: clinical testing. Allele origin: germline. Observed: 1 variant allele.
Comment: The c.5486_5487delinsTT (p.Ser1829Ile) variant in MYO7A has not been previously reported in individuals with hearing loss or Usher syndrome and was absent from large population studies. Computational prediction tools and conservation analyses do not provide strong support for or against an impact to the protein. In summary, the clinical significance of this variant is uncertain. ACMG/AMP Criteria applied: PM2.